The following is an entry in ClinVar:

ClinVar aggregate classification (germline): Uncertain significance (1 of 4 stars; one submission).

Conditions:
Intellectual developmental disorder with dysmorphic facies and ptosis (IDDDFP). Identifiers: Orphanet 698090, MedGen C4310617, MONDO:0015022, OMIM 617333.

Submission:

Juno Genomics, Hangzhou Juno Genomics, Inc
Classification: Uncertain significance for Intellectual developmental disorder with dysmorphic facies and ptosis. Review status: criteria provided, single submitter. Criteria: ACMG Guidelines, 2015. Collection method: clinical testing. Allele origin: germline.
Comment: Absent from controls (or at extremely low frequency if recessive) in Genome Aggregation Database.;Missense variant in a gene that has a low rate of benign missense variation.

NM_001003694.2(BRPF1):c.706G>A (p.Gly236Ser)

Gene: BRPF1 (bromodomain and PHD finger containing 1; plus strand). Cytogenetic location: 3p25.3.
Variant type: single nucleotide variant.
Coding change: c.706G>A on transcript NM_001003694.2 (MANE Select); coding-DNA position 706, G replaced by A.
Protein change: p.Gly236Ser; replaces glycine 236 with serine.
Molecular consequence: missense variant. On other transcripts: non-coding transcript variant (1).
Genome position (GRCh38, 1-based): chr3:9,739,105, G>A. VCF-style: chr3-9739105-G-A. GRCh37 (hg19) VCF-style: chr3-9780789-G-A.
Other names: c.706G>A, p.Gly236Ser (NM_001319049.2, NM_001319050.2, NM_001410704.1 and 7 more transcripts); short protein forms G236S.
Identifiers: ClinVar variation 5019199 (VCV005019199.2).
Genomic context (GRCh38, chr3:9,739,105, plus strand): 5'-GACATGGACGAGGAGGACTACATCTGGCTGGATATCATGAATGAGCGTCGGAAGACAGAG[G>A]GTGTAAGTCCCATCCCGCAGGAGATCTTTGAGTACCTAATGGACCGACTGGAGAAGGAGT-3'
Protein context (NP_001003694.1, residues 226-246): DIMNERRKTE[Gly236Ser]VSPIPQEIFE